The following is an entry in ClinVar:

NM_000384.3(APOB):c.12175G>A (p.Glu4059Lys)

Gene: APOB (apolipoprotein B; minus strand). Cytogenetic location: 2p24.1.
Variant type: single nucleotide variant.
Coding change: c.12175G>A on transcript NM_000384.3 (MANE Select); coding-DNA position 12175, G replaced by A.
Protein change: p.Glu4059Lys; replaces glutamic acid 4059 with lysine.
Molecular consequence: missense variant.
Genome position (GRCh38, 1-based): chr2:21,003,247, C>T on the plus strand (G>A on the coding strand, the complement: APOB is on the minus strand). VCF-style: chr2-21003247-C-T. GRCh37 (hg19) VCF-style: chr2-21226119-C-T.
Other names: c.12175G>A (NM_000384.2); short protein forms E4059K.
Identifiers: ClinVar variation 2931503 (VCV002931503.5), dbSNP rs756040945, ClinGen allele CA049498.

ClinVar aggregate classification (germline): Conflicting classifications of pathogenicity. Review status: criteria provided, conflicting classifications (1 of 4 stars). 2 submissions from 2 submitters: Uncertain significance (1); Likely benign (1). Last evaluated 2026-09-11.

Conditions:
Familial hypobetalipoproteinemia 1. Also called: APOB-Related Familial Hypobetalipoproteinemia; Hypobetalipoproteinemia, normotriglyceridemic; Acanthocytosis with hypobetalipoproteinemia. Identifiers: MedGen C4551990, MONDO:0014252, OMIM 615558.
Hypercholesterolemia, autosomal dominant, type B (FHCL2). Also called: Familial hypercholesterolemia 2; Hyperlipoproteinemia Type IIb; Familial Hypercholesterolemia Type B; APOB-Related Familial Hypercholesterolemia, Autosomal Dominant; APOLIPOPROTEIN B-100, FAMILIAL DEFECTIVE; APOLIPOPROTEIN B-100, FAMILIAL LIGAND-DEFECTIVE. Identifiers: MedGen C1704417, MONDO:0007751, OMIM 144010.
Cardiovascular phenotype. Identifiers: MedGen CN230736.

Allele frequency attached by ClinVar (database versions not stated): gnomAD exomes below 0.00001; ExAC 0.00001.
gnomAD v4.1: 2 of 1,613,998 alleles (0.00012%); highest among the groups gnomAD compares: East Asian, 0.0045%; no homozygotes.

Submissions (2):

Ambry Genetics
Classification: Uncertain significance for Cardiovascular phenotype. Last evaluated: 2026-09-11. Review status: criteria provided, single submitter. Criteria: Ambry Variant Classification Scheme 2023. Collection method: clinical testing. Allele origin: germline.
Comment: The p.E4059K variant (also known as c.12175G>A), located in coding exon 29 of the APOB gene, results from a G to A substitution at nucleotide position 12175. The glutamic acid at codon 4059 is replaced by lysine, an amino acid with similar properties. This amino acid position is conserved. In addition, this alteration is predicted to be tolerated by in silico analysis. Based on the available evidence, the clinical significance of this variant remains unclear.

Labcorp Genetics (formerly Invitae), Labcorp
Classification: Likely benign for Familial hypobetalipoproteinemia 1; Hypercholesterolemia, autosomal dominant, type B. Last evaluated: 2023-02-03. Review status: criteria provided, single submitter. Criteria: Invitae Variant Classification Sherloc (09022015). Collection method: clinical testing. Allele origin: germline.